The following is an entry in ClinVar:

ClinVar aggregate classification (germline): Benign. Review status: criteria provided, multiple submitters, no conflicts (2 of 4 stars). 2 submissions from 2 submitters: Benign (2). Last evaluated 2018-01-12.

Conditions:
Usher syndrome type 3. Also called: Usher Syndrome, Type III. Identifiers: Orphanet 231183, MedGen C1568248, MONDO:0016485.

Allele frequency attached by ClinVar (database versions not stated): ExAC 0.60375; gnomAD exomes 0.68133 and 0.68750; gnomAD 0.75977 and 0.76596; TOPMed 0.77182; 1000 Genomes Project 0.77776; 1000 Genomes Project 30x 0.78061.
gnomAD v4.1: 325,222 of 459,622 alleles (71%); highest among the groups gnomAD compares: African/African-American, 92%; 117,380 homozygotes.

Submissions (2):

Illumina Laboratory Services, Illumina
Classification: Benign for Usher syndrome type 3A. Last evaluated: 2018-01-12. Review status: criteria provided, single submitter. Criteria: ICSL Variant Classification Criteria 13 December 2019. Collection method: clinical testing. Allele origin: germline.
Comment: This variant was observed in the ICSL laboratory as part of a predisposition screen in an ostensibly healthy population. It had not been previously curated by ICSL or reported in the Human Gene Mutation Database (HGMD: prior to June 1st, 2018), and was therefore a candidate for classification through an automated scoring system. Utilizing variant allele frequency, disease prevalence and penetrance estimates, and inheritance mode, an automated score was calculated to assess if this variant is too frequent to cause the disease. Based on the score and internal cut-off values, a variant classified as benign is not then subjected to further curation. The score for this variant resulted in a classification of benign for this disease.

Breakthrough Genomics
Classification: Benign. Review status: criteria provided, single submitter. Criteria: ACMG Guidelines, 2015. Collection method: not provided. Allele origin: germline. Inheritance: Autosomal recessive inheritance. Affected: yes.

NM_174878.3(CLRN1):c.*372C>T

Gene: CLRN1 (clarin 1; minus strand). Cytogenetic location: 3q25.1.
Variant type: single nucleotide variant.
Coding change: c.*372C>T on transcript NM_174878.3 (MANE Select); 372 bases downstream of the stop codon, C replaced by T.
Molecular consequence: 3 prime UTR variant. On other transcripts: non-coding transcript variant (1), intron variant (1).
Genome position (GRCh38, 1-based): chr3:150,927,564, G>A on the plus strand (C>T on the coding strand, the complement: CLRN1 is on the minus strand). VCF-style: chr3-150927564-G-A. GRCh37 (hg19) VCF-style: chr3-150645351-G-A.
Other names: c.*372C>T (NM_001195794.1); c.*685C>T (NM_001256819.2); c.342+501C>T (NM_052995.2).
Identifiers: ClinVar variation 343804 (VCV000343804.6), dbSNP rs4680058, ClinGen allele CA2665934.
Genomic context (GRCh38, chr3:150,927,564, plus strand): 5'-AGGAAAGCGATTGCAGCTCAGTTTTCTGAAATCTGGCAACAAATGTGTGGATATATTAGA[G>A]ATATTATTTGTTTTTATTAAAATATATTCCATGTGCCTTTGATATCTTTTTGATAGGAAG-3'